The following is an entry in ClinVar:

ClinVar aggregate classification (germline): Benign (0 of 4 stars; one submission).

Conditions:
HPSE-related disorder. Also called: HPSE-related condition.

Allele frequency attached by ClinVar (database versions not stated): gnomAD exomes 0.77843; ExAC 0.78440; TOPMed 0.79484; gnomAD 0.79686; ESP Exome Variant Server 0.79863; 1000 Genomes Project 30x 0.81168; 1000 Genomes Project 0.81330.
gnomAD v4.1: 1,228,002 of 1,573,576 alleles (78%); highest among the groups gnomAD compares: African/African-American, 85%; 480,564 homozygotes.

Submission:

PreventionGenetics, part of Exact Sciences
Classification: Benign for HPSE-related condition. Last evaluated: 2019-10-17. Review status: no assertion criteria provided. Collection method: clinical testing. Allele origin: germline.
Comment: This variant is classified as benign based on ACMG/AMP sequence variant interpretation guidelines (Richards et al. 2015 PMID: 25741868, with internal and published modifications).

NM_001098540.3(HPSE):c.920A>G (p.Lys307Arg)

Gene: HPSE (heparanase; minus strand). Cytogenetic location: 4q21.23.
Variant type: single nucleotide variant.
Coding change: c.920A>G on transcript NM_001098540.3 (MANE Select); coding-DNA position 920, A replaced by G.
Protein change: p.Lys307Arg; replaces lysine 307 with arginine.
Molecular consequence: missense variant.
Genome position (GRCh38, 1-based): chr4:83,309,466, T>C on the plus strand (A>G on the coding strand, the complement: HPSE is on the minus strand). VCF-style: chr4-83309466-T-C. GRCh37 (hg19) VCF-style: chr4-84230619-T-C.
Other names: c.920A>G, p.Lys307Arg (NM_001166498.3, NM_006665.6); c.746A>G, p.Lys249Arg (NM_001199830.1); short protein forms K249R, K307R.
Identifiers: ClinVar variation 3060058 (VCV003060058.2), dbSNP rs11099592, ClinGen allele CA2988977.